The following is an entry in ClinVar:

ClinVar aggregate classification (germline): Uncertain significance (1 of 4 stars; one submission).

Conditions:
Kabuki syndrome. Also called: Kabuki make-up syndrome; NIIKAWA-KUROKI SYNDROME. Identifiers: Orphanet 2322, MedGen C0796004, MONDO:0016512.

Allele frequency attached by ClinVar (database versions not stated): gnomAD exomes below 0.00001.
gnomAD v4.1: 1 of 1,613,652 alleles (0.000062%); highest among the groups gnomAD compares: Non-Finnish European, 0.000085%; no homozygotes.

Submission:

Labcorp Genetics (formerly Invitae), Labcorp
Classification: Uncertain significance for Kabuki syndrome. Last evaluated: 2023-06-09. Review status: criteria provided, single submitter. Criteria: Invitae Variant Classification Sherloc (09022015). Collection method: clinical testing. Allele origin: germline.
Comment: This sequence change replaces glycine, which is neutral and non-polar, with arginine, which is basic and polar, at codon 283 of the KMT2D protein (p.Gly283Arg). This variant is not present in population databases (gnomAD no frequency). This variant has not been reported in the literature in individuals affected with KMT2D-related conditions. ClinVar contains an entry for this variant (Variation ID: 1964075). Advanced modeling of protein sequence and biophysical properties (such as structural, functional, and spatial information, amino acid conservation, physicochemical variation, residue mobility, and thermodynamic stability) performed at Invitae indicates that this missense variant is not expected to disrupt KMT2D protein function. In summary, the available evidence is currently insufficient to determine the role of this variant in disease. Therefore, it has been classified as a Variant of Uncertain Significance.

NM_003482.4(KMT2D):c.847G>C (p.Gly283Arg)

Gene: KMT2D (lysine methyltransferase 2D; minus strand). Cytogenetic location: 12q13.12.
Variant type: single nucleotide variant.
Coding change: c.847G>C on transcript NM_003482.4 (MANE Select); coding-DNA position 847, G replaced by C.
Protein change: p.Gly283Arg; replaces glycine 283 with arginine.
Molecular consequence: missense variant.
Genome position (GRCh38, 1-based): chr12:49,053,314, C>G on the plus strand (G>C on the coding strand, the complement: KMT2D is on the minus strand). VCF-style: chr12-49053314-C-G. GRCh37 (hg19) VCF-style: chr12-49447097-C-G.
Other names: short protein forms G283R.
Identifiers: ClinVar variation 1964075 (VCV001964075.5), dbSNP rs2498464258, ClinGen allele CA384680322.